The following is an entry in ClinVar:

NM_006204.4(PDE6C):c.1511C>T (p.Ala504Val)

Gene: PDE6C (phosphodiesterase 6C; plus strand). Cytogenetic location: 10q23.33.
Variant type: single nucleotide variant.
Coding change: c.1511C>T on transcript NM_006204.4 (MANE Select); coding-DNA position 1511, C replaced by T.
Protein change: p.Ala504Val; replaces alanine 504 with valine.
Molecular consequence: missense variant.
Genome position (GRCh38, 1-based): chr10:93,640,098, C>T. VCF-style: chr10-93640098-C-T. GRCh37 (hg19) VCF-style: chr10-95399855-C-T.
Other names: short protein forms A504V.
Identifiers: ClinVar variation 2012714 (VCV002012714.4), dbSNP rs1300930111, ClinGen allele CA377617397.

ClinVar aggregate classification (germline): Uncertain significance (1 of 4 stars; one submission).

Submission:

Labcorp Genetics (formerly Invitae), Labcorp
Classification: Uncertain significance. Last evaluated: 2022-07-01. Review status: criteria provided, single submitter. Criteria: Invitae Variant Classification Sherloc (09022015). Collection method: clinical testing. Allele origin: germline.
Comment: Algorithms developed to predict the effect of missense changes on protein structure and function output the following: SIFT: "Tolerated"; PolyPhen-2: "Benign"; Align-GVGD: "Class C0". The valine amino acid residue is found in multiple mammalian species, which suggests that this missense change does not adversely affect protein function. In summary, the available evidence is currently insufficient to determine the role of this variant in disease. Therefore, it has been classified as a Variant of Uncertain Significance. This variant has not been reported in the literature in individuals affected with PDE6C-related conditions. This sequence change replaces alanine, which is neutral and non-polar, with valine, which is neutral and non-polar, at codon 504 of the PDE6C protein (p.Ala504Val). This variant is not present in population databases (gnomAD no frequency).